The following is an entry in ClinVar:

ClinVar aggregate classification (germline): Uncertain significance (1 of 4 stars; one submission).

Submission:

Ambry Genetics
Classification: Uncertain significance. Last evaluated: 2023-11-03. Review status: criteria provided, single submitter. Criteria: Ambry Variant Classification Scheme 2023. Collection method: clinical testing. Allele origin: germline.
Comment: The p.S170G variant (also known as c.508A>G), located in coding exon 7 of the RAD54L gene, results from an A to G substitution at nucleotide position 508. The serine at codon 170 is replaced by glycine, an amino acid with similar properties. This amino acid position is conserved. In addition, this alteration is predicted to be tolerated by in silico analysis. Since supporting evidence is limited at this time, the clinical significance of this alteration remains unclear.

NM_003579.4(RAD54L):c.508A>G (p.Ser170Gly)

Gene: RAD54L (RAD54 like; plus strand). Cytogenetic location: 1p34.1.
Variant type: single nucleotide variant.
Coding change: c.508A>G on transcript NM_003579.4 (MANE Select); coding-DNA position 508, A replaced by G.
Protein change: p.Ser170Gly; replaces serine 170 with glycine.
Molecular consequence: missense variant. On other transcripts: 5 prime UTR variant (1).
Genome position (GRCh38, 1-based): chr1:46,260,757, A>G. VCF-style: chr1-46260757-A-G. GRCh37 (hg19) VCF-style: chr1-46726429-A-G.
Other names: c.508A>G, p.Ser170Gly (NM_001142548.2); c.-33A>G (NM_001370766.1); short protein forms S170G.
Identifiers: ClinVar variation 3223448 (VCV003223448.1), dbSNP rs2525668689, ClinGen allele CA340185638.
Genomic context (GRCh38, chr1:46,260,757, plus strand): 5'-CAAAGTGGACTGAAGGCTGTTATTCTCTAGGGAGTGAAATTCCTGTGGGAGTGTGTCACC[A>G]GTCGGCGCATCCCTGGCAGCCATGGCTGCATCATGGCTGATGAGATGGGCCTAGGAAAGA-3'
Protein context (NP_003570.2, residues 160-180): GVKFLWECVT[Ser170Gly]RRIPGSHGCI